The following is an entry in ClinVar:

ClinVar aggregate classification (germline): Pathogenic (1 of 4 stars; one submission).

Submission:

GeneDx
Classification: Pathogenic. Last evaluated: 2017-11-27. Review status: criteria provided, single submitter. Criteria: GeneDx Variant Classification (06012015). Collection method: clinical testing. Allele origin: germline. Affected: yes.
Comment: The C50F pathogenic variant in the MPZ gene has not been reported previously as a pathogenic variant nor as a benign variant, to our knowledge. This variant was not observed in approximately 6500 individuals of European and African American ancestry in the NHLBI Exome Sequencing Project, indicating it is not a common benign variant in these populations. The C50F variant is a non-conservative amino acid substitution, which is likely to impact secondary protein structure as these residues differ in polarity, charge, size and/or other properties. This substitution occurs at a position within the extracellular domain that is conserved across species, and in silico analysis predicts this variant is probably damaging to the protein structure/function. Missense variants in the same (C50G, C50W) and nearby (L48V, L48P, L48Q, S51F, S51C) residues have been reported in the Human Gene Mutation Database in association with MPZ-related disorders (Stenson et al., 2014), supporting the functional importance of this region of the protein. We interpret C50F as a pathogenic variant

NM_000530.8(MPZ):c.149G>T (p.Cys50Phe)

Gene: MPZ (myelin protein zero; minus strand). Cytogenetic location: 1q23.3.
Variant type: single nucleotide variant.
Coding change: c.149G>T on transcript NM_000530.8 (MANE Select); coding-DNA position 149, G replaced by T.
Protein change: p.Cys50Phe; replaces cysteine 50 with phenylalanine.
Molecular consequence: missense variant.
Genome position (GRCh38, 1-based): chr1:161,307,343, C>A on the plus strand (G>T on the coding strand, the complement: MPZ is on the minus strand). VCF-style: chr1-161307343-C-A. GRCh37 (hg19) VCF-style: chr1-161277133-C-A.
Other names: c.149G>T (LRG_256t1); c.149G>T, p.Cys50Phe (NM_001315491.2); short protein forms C50F.
Identifiers: ClinVar variation 234908 (VCV000234908.2), dbSNP rs876661287, ClinGen allele CA10577216.